The following is an entry in ClinVar:

NM_206933.4(USH2A):c.3959C>T (p.Pro1320Leu)

Genes: USH2A (usherin; minus strand), USH2A-AS1 (USH2A antisense RNA 1; plus strand). Cytogenetic location: 1q41.
Variant type: single nucleotide variant.
Coding change: c.3959C>T on transcript NM_206933.4 (MANE Select); coding-DNA position 3959, C replaced by T.
Protein change: p.Pro1320Leu; replaces proline 1320 with leucine.
Molecular consequence: missense variant.
Genome position (GRCh38, 1-based): chr1:216,198,437, G>A on the plus strand (C>T on the coding strand, the complement: USH2A is on the minus strand). VCF-style: chr1-216198437-G-A. GRCh37 (hg19) VCF-style: chr1-216371779-G-A.
Other names: c.3959C>T (NM_206933.2); c.3959C>T, p.Pro1320Leu (NM_007123.6); short protein forms P1320L.
Identifiers: ClinVar variation 2202968 (VCV002202968.2), dbSNP rs771924569, ClinGen allele CA344867102.
Genomic context (GRCh38, chr1:216,198,437, plus strand): 5'-AAGACTCTGAACTCATACTTGGTGTATGGCTCCAAGCCAGTGATGGTTGTCATTGTTTGA[G>A]GAGGTTTTAATGCATTTTCATTGGCCGATTCTACAAATGAATGAGGACTGAGCCAACCAC-3'
Protein context (NP_996816.3, residues 1310-1330): ESANENALKP[Pro1320Leu]QTMTTITGLE

ClinVar aggregate classification (germline): Uncertain significance. Review status: criteria provided, multiple submitters, no conflicts (2 of 4 stars). 2 submissions from 2 submitters: Uncertain significance (2). Last evaluated 2025-05-06.

gnomAD v4.1: 3 of 1,614,000 alleles (0.00019%); highest among the groups gnomAD compares: Middle Eastern, 0.049%; no homozygotes.

Submissions (2):

GeneDx
Classification: Uncertain significance. Last evaluated: 2025-05-06. Review status: criteria provided, single submitter. Criteria: GeneDx Variant Classification Process June 2021. Collection method: clinical testing. Allele origin: germline. Affected: yes.
Comment: Identified in a patient with retinitis pigmentosa in published literature (PMID: 26261414) but additional evidence is not available; Not observed at significant frequency in large population cohorts (gnomAD); In silico analysis supports that this missense variant has a deleterious effect on protein structure/function; This variant is associated with the following publications: (PMID: 26261414)

Labcorp Genetics (formerly Invitae), Labcorp
Classification: Uncertain significance. Last evaluated: 2022-01-21. Review status: criteria provided, single submitter. Criteria: Invitae Variant Classification Sherloc (09022015). Collection method: clinical testing. Allele origin: germline.
Comment: This sequence change replaces proline, which is neutral and non-polar, with leucine, which is neutral and non-polar, at codon 1320 of the USH2A protein (p.Pro1320Leu). This variant is not present in population databases (gnomAD no frequency). This missense change has been observed in individual(s) with retinitis pigmentosa (PMID: 26261414). Algorithms developed to predict the effect of missense changes on protein structure and function output the following: SIFT: "Deleterious"; PolyPhen-2: "Possibly Damaging"; Align-GVGD: "Class C0". The leucine amino acid residue is found in multiple mammalian species, which suggests that this missense change does not adversely affect protein function. In summary, the available evidence is currently insufficient to determine the role of this variant in disease. Therefore, it has been classified as a Variant of Uncertain Significance.

Literature cited by the submitters: PubMed 26261414 (cited by Labcorp Genetics (formerly Invitae), Labcorp).